The following is an entry in ClinVar:

ClinVar aggregate classification (germline): Uncertain significance (1 of 4 stars; one submission).

Conditions:
Inborn genetic diseases. Identifiers: MedGen C0950123, MeSH D030342.

gnomAD v4.1: 3 of 1,266,794 alleles (0.00024%); highest among the groups gnomAD compares: Non-Finnish European, 0.0003%; no homozygotes.

Submission:

Ambry Genetics
Classification: Uncertain significance for Inborn genetic diseases. Last evaluated: 2026-05-26. Review status: criteria provided, single submitter. Criteria: Ambry Variant Classification Scheme 2023. Collection method: clinical testing. Allele origin: germline.
Comment: The c.-5C>T variant is located in the 5' untranslated region (5&rsquo; UTR) of the CEBPA gene. This variant results from a C to T substitution 5 bases upstream from the first translated codon. This nucleotide position is not well conserved in available vertebrate species. Based on the available evidence, the clinical significance of this variant remains unclear.

NM_004364.5(CEBPA):c.-5C>T

Genes: CEBPA (CCAAT enhancer binding protein alpha; minus strand), LOC130064183 (ATAC-STARR-seq lymphoblastoid silent region 10495; plus strand). Cytogenetic location: 19q13.11.
Variant type: single nucleotide variant.
Coding change: c.-5C>T on transcript NM_004364.5 (MANE Select); 5 bases upstream of the start codon, C replaced by T.
Molecular consequence: 5 prime UTR variant. On other transcripts: missense variant (1).
Genome position (GRCh38, 1-based): chr19:33,302,419, G>A on the plus strand (C>T on the coding strand, the complement: CEBPA is on the minus strand). VCF-style: chr19-33302419-G-A. GRCh37 (hg19) VCF-style: chr19-33793325-G-A.
Other names: c.-362C>T (NM_001285829.2); c.101C>T, p.Ser34Phe (NM_001287424.2); c.-47C>T (NM_001287435.2); short protein forms S34F.
Identifiers: ClinVar variation 4868683 (VCV004868683.1).
Genomic context (GRCh38, chr19:33,302,419, plus strand): 5'-AGGTGGCTGCTCATCGGGGGCCGCGGCTCCGCCTCGTAGAAGTCGGCCGACTCCATGGGG[G>A]AGTTAGAGTTCTCCCGGCATGGCGAGCCTCGGCGGCCTCCAGCCTGCGCGGGGCGTCGCC-3'